The following is an entry in ClinVar:

NM_001378454.1(ALMS1):c.4771C>T (p.Pro1591Ser)

Gene: ALMS1 (ALMS1 centrosome and basal body associated protein; plus strand). Cytogenetic location: 2p13.1.
Variant type: single nucleotide variant.
Coding change: c.4771C>T on transcript NM_001378454.1 (MANE Select); coding-DNA position 4771, C replaced by T.
Protein change: p.Pro1591Ser; replaces proline 1591 with serine.
Molecular consequence: missense variant.
Genome position (GRCh38, 1-based): chr2:73,451,298, C>T. VCF-style: chr2-73451298-C-T. GRCh37 (hg19) VCF-style: chr2-73678425-C-T.
Other names: c.4774C>T, p.Pro1592Ser (NM_015120.4); short protein forms P1591S, P1592S.
Identifiers: ClinVar variation 3666843 (VCV003666843.2).
Genomic context (GRCh38, chr2:73,451,298, plus strand): 5'-TACTCATTTGGAGAGAAGCCGATTGTTAACTACAAACAGGCCTTTCCAGATGGTCATCTA[C>T]CTGAAGAGGCTCTGAAAGTTTCCATTGTTTCTGGACCTACTGAAAAAAAGACTGACATAC-3'
Protein context (NP_001365383.1, residues 1581-1601): YKQAFPDGHL[Pro1591Ser]EEALKVSIVS

ClinVar aggregate classification (germline): Uncertain significance (1 of 4 stars; one submission).

Conditions:
Alstrom syndrome (ALMS). Identifiers: Orphanet 64, MedGen C0268425, MONDO:0008763, OMIM 203800.

gnomAD v4.1: 3 of 1,613,994 alleles (0.00019%); highest among the groups gnomAD compares: Non-Finnish European, 0.00017%; no homozygotes.

Submission:

Labcorp Genetics (formerly Invitae), Labcorp
Classification: Uncertain significance for Alstrom syndrome. Last evaluated: 2024-04-03. Review status: criteria provided, single submitter. Criteria: Invitae Variant Classification Sherloc (09022015). Collection method: clinical testing. Allele origin: germline.
Comment: This sequence change replaces proline, which is neutral and non-polar, with serine, which is neutral and polar, at codon 1592 of the ALMS1 protein (p.Pro1592Ser). This variant is not present in population databases (gnomAD no frequency). This variant has not been reported in the literature in individuals affected with ALMS1-related conditions. Experimental studies and prediction algorithms are not available or were not evaluated, and the functional significance of this variant is currently unknown. In summary, the available evidence is currently insufficient to determine the role of this variant in disease. Therefore, it has been classified as a Variant of Uncertain Significance.